The following is an entry in ClinVar:

ClinVar aggregate classification (germline): Likely benign. Review status: criteria provided, single submitter (1 of 4 stars). 2 submissions from 2 submitters: Likely benign (1). 1 of the submissions does not count toward it. Last evaluated 2025-07-29.

Conditions:
WDR19-related disorder. Also called: WDR19-related disorders; WDR19-related condition. Identifiers: MedGen CN380161.
Asphyxiating thoracic dystrophy 5 (SRTD5). Also called: SHORT-RIB THORACIC DYSPLASIA 5 WITH OR WITHOUT POLYDACTYLY; SHORT-RIB THORACIC DYSPLASIA 5 WITHOUT POLYDACTYLY. Identifiers: Orphanet 474, MedGen C3280598, MONDO:0013717, OMIM 614376.
Senior-Loken syndrome 8 (SLSN8). Identifiers: Orphanet 3156, MedGen C4225376, MONDO:0014579, OMIM 616307.

Allele frequency attached by ClinVar (database versions not stated): ExAC 0.00001; gnomAD exomes 0.00001 and 0.00002; gnomAD 0.00008 and 0.00009; TOPMed 0.00008.
gnomAD v4.1: 21 of 1,613,006 alleles (0.0013%); highest among the groups gnomAD compares: African/African-American, 0.027%; no homozygotes.

Submissions (2):

Labcorp Genetics (formerly Invitae), Labcorp
Classification: Likely benign for Senior-Loken syndrome 8; Asphyxiating thoracic dystrophy 5. Last evaluated: 2025-07-29. Review status: criteria provided, single submitter. Criteria: Invitae Variant Classification Sherloc (09022015). Collection method: clinical testing. Allele origin: germline.

PreventionGenetics, part of Exact Sciences
Classification: Likely benign for WDR19-related condition. Last evaluated: 2020-01-22. Review status: no assertion criteria provided. Collection method: clinical testing. Allele origin: germline. Not counted in ClinVar's aggregate classification.
Comment: This variant is classified as likely benign based on ACMG/AMP sequence variant interpretation guidelines (Richards et al. 2015 PMID: 25741868, with internal and published modifications).

NM_025132.4(WDR19):c.795T>C (p.Gly265=)

Gene: WDR19 (WD repeat domain 19; plus strand). Cytogenetic location: 4p14.
Variant type: single nucleotide variant.
Coding change: c.795T>C on transcript NM_025132.4 (MANE Select); coding-DNA position 795, T replaced by C.
Protein change: p.Gly265=; no amino-acid change (glycine 265 retained).
Molecular consequence: synonymous variant.
Genome position (GRCh38, 1-based): chr4:39,205,641, T>C. VCF-style: chr4-39205641-T-C. GRCh37 (hg19) VCF-style: chr4-39207261-T-C.
Other names: c.315T>C, p.Gly105= (NM_001317924.2); c.795T>C (NM_025132.3).
Identifiers: ClinVar variation 1109528 (VCV001109528.11), dbSNP rs771396030, ClinGen allele CA2891706.